The following is an entry in ClinVar:

NM_145207.3(AFG2A):c.535C>G (p.Leu179Val)

Gene: AFG2A (AAA ATPase AFG2A; plus strand). Cytogenetic location: 4q28.1.
Variant type: single nucleotide variant.
Coding change: c.535C>G on transcript NM_145207.3 (MANE Select); coding-DNA position 535, C replaced by G.
Protein change: p.Leu179Val; replaces leucine 179 with valine.
Molecular consequence: missense variant.
Genome position (GRCh38, 1-based): chr4:122,934,126, C>G. VCF-style: chr4-122934126-C-G. GRCh37 (hg19) VCF-style: chr4-123855281-C-G.
Other names: c.532C>G, p.Leu178Val (NM_001317799.2, NM_001345856.2); short protein forms L178V, L179V.
Identifiers: ClinVar variation 951346 (VCV000951346.7), dbSNP rs1728912756, ClinGen allele CA358101369.

ClinVar aggregate classification (germline): Uncertain significance. Review status: criteria provided, multiple submitters, no conflicts (2 of 4 stars). 2 submissions from 2 submitters: Uncertain significance (2). Last evaluated 2019-05-27.

Conditions:
Microcephaly-intellectual disability-sensorineural hearing loss-epilepsy-abnormal muscle tone syndrome (NEDHSB). Also called: NEURODEVELOPMENTAL DISORDER WITH HEARING LOSS, SEIZURES, AND BRAIN ABNORMALITIES. Identifiers: Orphanet 457351, MedGen C4225276, MONDO:0014698, OMIM 616577.

Allele frequency attached by ClinVar (database versions not stated): gnomAD exomes below 0.00001.
gnomAD v4.1: 1 of 1,604,624 alleles (0.000062%); highest among the groups gnomAD compares: Non-Finnish European, 0.000085%; no homozygotes.

Submissions (2):

Labcorp Genetics (formerly Invitae), Labcorp
Classification: Uncertain significance for Microcephaly-intellectual disability-sensorineural hearing loss-epilepsy-abnormal muscle tone syndrome. Last evaluated: 2019-05-27. Review status: criteria provided, single submitter. Criteria: Invitae Variant Classification Sherloc (09022015). Collection method: clinical testing. Allele origin: germline.
Comment: In summary, the available evidence is currently insufficient to determine the role of this variant in disease. Therefore, it has been classified as a Variant of Uncertain Significance. Algorithms developed to predict the effect of missense changes on protein structure and function are either unavailable or do not agree on the potential impact of this missense change (SIFT: "Deleterious"; PolyPhen-2: "Possibly Damaging"; Align-GVGD: "Class C15"). This variant has not been reported in the literature in individuals with SPATA5-related conditions. This variant is not present in population databases (ExAC no frequency). This sequence change replaces leucine with valine at codon 179 of the SPATA5 protein (p.Leu179Val). The leucine residue is highly conserved and there is a small physicochemical difference between leucine and valine.

GeneDx
Classification: Uncertain significance. Last evaluated: 2019-04-09. Review status: criteria provided, single submitter. Criteria: GeneDx Variant Classification Process June 2021. Collection method: clinical testing. Allele origin: germline. Affected: yes.
Comment: Not observed in large population cohorts (Lek et al., 2016); In silico analysis, which includes protein predictors and evolutionary conservation, supports that this variant does not alter protein structure/function; Has not been previously published as pathogenic or benign to our knowledge